The following is an entry in ClinVar:

NM_000260.4(MYO7A):c.4039C>T (p.Arg1347Cys)

Gene: MYO7A (myosin VIIA; plus strand). Cytogenetic location: 11q13.5.
Variant type: single nucleotide variant.
Coding change: c.4039C>T on transcript NM_000260.4 (MANE Select); coding-DNA position 4039, C replaced by T.
Protein change: p.Arg1347Cys; replaces arginine 1347 with cysteine.
Molecular consequence: missense variant.
Genome position (GRCh38, 1-based): chr11:77,192,165, C>T. VCF-style: chr11-77192165-C-T. GRCh37 (hg19) VCF-style: chr11-76903210-C-T.
Other names: c.4039C>T, p.Arg1347Cys (NM_001127180.2); c.4006C>T, p.Arg1336Cys (NM_001369365.1); short protein forms R1347C, R1336C.
Identifiers: ClinVar variation 306185 (VCV000306185.19), dbSNP rs111534474, ClinGen allele CA6198300.

ClinVar aggregate classification (germline): Conflicting classifications of pathogenicity. Review status: criteria provided, conflicting classifications (1 of 4 stars). 10 submissions from 8 submitters: Pathogenic (1); Likely pathogenic (2); Uncertain significance (7). Last evaluated 2026-06-02.

Conditions:
Usher syndrome type 1 (USH1). Also called: RETINITIS PIGMENTOSA AND CONGENITAL DEAFNESS. Identifiers: Orphanet 231169, Orphanet 886, MedGen C1568247, MONDO:0010168, OMIM 276900.
Autosomal recessive nonsyndromic hearing loss 2. Also called: DEAFNESS, AUTOSOMAL RECESSIVE 2; NEUROSENSORY NONSYNDROMIC RECESSIVE DEAFNESS 2. Identifiers: Orphanet 90636, MedGen C1838701, MONDO:0010807, OMIM 600060.
Autosomal dominant nonsyndromic hearing loss 11. Identifiers: Orphanet 90635, MedGen C1832475, MONDO:0011032, OMIM 601317.

Allele frequency attached by ClinVar (database versions not stated): 1000 Genomes Project 0.00020; 1000 Genomes Project 30x 0.00031; gnomAD 0.00002 and 0.00003; TOPMed 0.00002; ExAC 0.00003; gnomAD exomes 0.00003.
gnomAD v4.1: 52 of 1,614,022 alleles (0.0032%); highest among the groups gnomAD compares: Non-Finnish European, 0.0036%; no homozygotes.

Submissions (10):

Myriad Genetics, Inc.
Classification: Uncertain significance for Usher syndrome type 1. Last evaluated: 2026-06-02. Review status: criteria provided, single submitter. Criteria: Myriad Autosomal Dominant, Autosomal Recessive and X-Linked Classification Criteria (2023). Collection method: clinical testing. Allele origin: unknown.
Comment: NM_000260.3(MYO7A):c.4039C>T(R1347C) is a missense variant classified as a variant of uncertain significance in the context of MYO7A-related disorders. R1347C has not been observed in cases with relevant disease. Relevant functional assessments of this variant are not available in the literature. R1347C has been observed in referenced population frequency databases. In summary, there is insufficient evidence to classify NM_000260.3(MYO7A):c.4039C>T(R1347C) as pathogenic or benign. Please note: this variant was assessed in the context of healthy population screening.

Labcorp Genetics (formerly Invitae), Labcorp
Classification: Pathogenic. Last evaluated: 2025-08-05. Review status: criteria provided, single submitter. Criteria: Invitae Variant Classification Sherloc (09022015). Collection method: clinical testing. Allele origin: germline.
Comment: This sequence change replaces arginine, which is basic and polar, with cysteine, which is neutral and slightly polar, at codon 1347 of the MYO7A protein (p.Arg1347Cys). This variant is present in population databases (rs111534474, gnomAD 0.006%). This missense change has been observed in individual(s) with autosomal recessive MYO7A-related conditions (internal data). In at least one individual the data is consistent with being in trans (on the opposite chromosome) from a pathogenic variant. ClinVar contains an entry for this variant (Variation ID: 306185). Invitae Evidence Modeling of protein sequence and biophysical properties (such as structural, functional, and spatial information, amino acid conservation, physicochemical variation, residue mobility, and thermodynamic stability) indicates that this missense variant is expected to disrupt MYO7A protein function with a positive predictive value of 95%. This variant disrupts the p.Arg1347 amino acid residue in MYO7A. Other variant(s) that disrupt this residue have been determined to be pathogenic (internal data). This suggests that this residue is clinically significant, and that variants that disrupt this residue are likely to be disease-causing. For these reasons, this variant has been classified as Pathogenic.

First Genomix Gene Laboratory, Genetic Diagnostics Department
Classification: Likely pathogenic for Autosomal recessive nonsyndromic hearing loss 2; Usher syndrome type 1. Last evaluated: 2025-07-10. Review status: criteria provided, single submitter. Criteria: ACMG Guidelines, 2015. Collection method: clinical testing. Allele origin: germline. Inheritance: Autosomal recessive inheritance. Affected: no. Observed: 1 variant allele.

Women's Health and Genetics/Laboratory Corporation of America, LabCorp
Classification: Uncertain significance. Last evaluated: 2025-05-30. Review status: criteria provided, single submitter. Criteria: LabCorp Variant Classification Summary - May 2015. Collection method: clinical testing. Allele origin: germline.
Comment: Variant summary: MYO7A c.4039C>T (p.Arg1347Cys) results in a non-conservative amino acid change located in the FERM domain (IPR000299) of the encoded protein sequence. Algorithms developed to predict the effect of missense changes on protein structure and function all suggest that this variant is likely to be disruptive. The variant allele was found at a frequency of 3.2e-05 in 249098 control chromosomes (gnomAD). The available data on variant occurrences in the general population are insufficient to allow any conclusion about variant significance. These data do not allow any conclusion about variant significance. To our knowledge, no experimental evidence demonstrating an impact on protein function has been reported. ClinVar contains an entry for this variant (Variation ID: 306185). Based on the evidence outlined above, the variant was classified as uncertain significance.

Institute of Rare Diseases, West China Hospital, Sichuan University
Classification: Likely pathogenic for Autosomal recessive nonsyndromic hearing loss 2. Last evaluated: 2025-01-09. Review status: criteria provided, single submitter. Criteria: ClinGen HL ACMG Specifications v1. Collection method: research. Allele origin: germline. Affected: yes.
Comment: PM3;PM5;PM2_Supporting;PP3

Blueprint Genetics
Classification: Uncertain significance. Last evaluated: 2024-01-23. Review status: criteria provided, single submitter. Criteria: ACMG Guidelines, 2015. Collection method: clinical testing. Allele origin: germline.

Fulgent Genetics
Classification: Uncertain significance for Usher syndrome type 1; Autosomal recessive nonsyndromic hearing loss 2; Autosomal dominant nonsyndromic hearing loss 11. Last evaluated: 2021-07-02. Review status: criteria provided, single submitter. Criteria: ACMG Guidelines, 2015. Collection method: clinical testing. Allele origin: unknown.

Illumina Laboratory Services, Illumina
Classification: Uncertain significance for Autosomal recessive nonsyndromic hearing loss 2. Last evaluated: 2018-01-13. Review status: criteria provided, single submitter. Criteria: ICSL Variant Classification Criteria 13 December 2019. Collection method: clinical testing. Allele origin: germline.

Illumina Laboratory Services, Illumina
Classification: Uncertain significance for Usher syndrome type 1. Last evaluated: 2018-01-13. Review status: criteria provided, single submitter. Criteria: ICSL Variant Classification Criteria 13 December 2019. Collection method: clinical testing. Allele origin: germline.

Illumina Laboratory Services, Illumina
Classification: Uncertain significance for Autosomal dominant nonsyndromic hearing loss 11. Last evaluated: 2018-01-13. Review status: criteria provided, single submitter. Criteria: ICSL Variant Classification Criteria 13 December 2019. Collection method: clinical testing. Allele origin: germline.